The following is an entry in ClinVar:

ClinVar aggregate classification (germline): Uncertain significance (1 of 4 stars; one submission).

Allele frequency attached by ClinVar (database versions not stated): gnomAD 0.00001; TOPMed 0.00001.
gnomAD v4.1: 7 of 1,611,136 alleles (0.00043%); highest among the groups gnomAD compares: Admixed American, 0.0017%; no homozygotes.

Submission:

Labcorp Genetics (formerly Invitae), Labcorp
Classification: Uncertain significance. Last evaluated: 2020-01-10. Review status: criteria provided, single submitter. Criteria: Invitae Variant Classification Sherloc (09022015). Collection method: clinical testing. Allele origin: germline.
Comment: This variant has not been reported in the literature in individuals with CDC45-related conditions. In summary, the available evidence is currently insufficient to determine the role of this variant in disease. Therefore, it has been classified as a Variant of Uncertain Significance. Algorithms developed to predict the effect of missense changes on protein structure and function are either unavailable or do not agree on the potential impact of this missense change (SIFT: "Deleterious"; PolyPhen-2: "Possibly Damaging"; Align-GVGD: "Class C0"). This variant is present in population databases (rs566899785, ExAC 0.02%). This sequence change replaces glutamic acid with lysine at codon 221 of the CDC45 protein (p.Glu221Lys). The glutamic acid residue is highly conserved and there is a small physicochemical difference between glutamic acid and lysine.

NM_003504.5(CDC45):c.565G>A (p.Glu189Lys)

Gene: CDC45 (cell division cycle 45; plus strand). Cytogenetic location: 22q11.21.
Variant type: single nucleotide variant.
Coding change: c.565G>A on transcript NM_003504.5 (MANE Select); coding-DNA position 565, G replaced by A.
Protein change: p.Glu189Lys; replaces glutamic acid 189 with lysine.
Molecular consequence: missense variant. On other transcripts: non-coding transcript variant (1).
Genome position (GRCh38, 1-based): chr22:19,496,003, G>A. VCF-style: chr22-19496003-G-A. GRCh37 (hg19) VCF-style: chr22-19483526-G-A.
Other names: c.661G>A, p.Glu221Lys (NM_001178010.2); c.427G>A, p.Glu143Lys (NM_001178011.2); c.529G>A, p.Glu177Lys (NM_001369291.1); short protein forms E177K, E189K, E221K, E143K.
Identifiers: ClinVar variation 1035078 (VCV001035078.9), dbSNP rs566899785, ClinGen allele CA10101129.